The following is an entry in ClinVar:

NC_000023.10:g.(?_31196029)_(31525590_?)dup

Gene: DMD (dystrophin; minus strand). Cytogenetic location: Xp21.2-21.1.
Variant type: Duplication.
Identifiers: ClinVar variation 1511492 (VCV001511492.6).

ClinVar aggregate classification (germline): Likely pathogenic (1 of 4 stars; one submission).

Conditions:
Duchenne muscular dystrophy (DMD). Also called: Duchenne Muscular Dystrophy (DMD); MUSCULAR DYSTROPHY, PSEUDOHYPERTROPHIC PROGRESSIVE, DUCHENNE TYPE. Identifiers: Orphanet 98896, MedGen C0013264, MONDO:0010679, OMIM 310200.

Submission:

Labcorp Genetics (formerly Invitae), Labcorp
Classification: Likely pathogenic for Duchenne muscular dystrophy. Last evaluated: 2022-05-31. Review status: criteria provided, single submitter. Criteria: Invitae Variant Classification Sherloc (09022015). Collection method: clinical testing. Allele origin: germline.
Comment: In summary, the currently available evidence indicates that the variant is pathogenic, but additional data are needed to prove that conclusively. Therefore, this variant has been classified as Likely Pathogenic. This variant has not been reported in the literature in individuals affected with DMD-related conditions. This variant results in a copy number gain of the genomic region encompassing exon(s) 56-71 of the DMD gene. While the exact position of this variant cannot be determined from the data, sub-genic copy number gains are generally in tandem (PMID: 25640679). This variant is predicted to be out-of-frame, and may result in an absent or disrupted protein product. Loss-of-function variants in DMD are known to be pathogenic (PMID: 16770791, 25007885).

Literature cited by the submitters: PubMed 25640679; PubMed 16770791; PubMed 25007885.